The following is an entry in ClinVar:

ClinVar aggregate classification (germline): Uncertain significance (0 of 4 stars; one submission).

Conditions:
DOCK4-related disorder. Also called: DOCK4-related condition.

gnomAD v4.1: 1 of 1,595,964 alleles (0.000063%); highest among the groups gnomAD compares: Non-Finnish European, 0.000085%; no homozygotes.

Submission:

PreventionGenetics, part of Exact Sciences
Classification: Uncertain significance for DOCK4-related condition. Last evaluated: 2024-04-16. Review status: no assertion criteria provided. Collection method: clinical testing. Allele origin: germline.
Comment: The DOCK4 c.5398C>T variant is predicted to result in the amino acid substitution p.Pro1800Ser. To our knowledge, this variant has not been reported in the literature or in a large population database, indicating this variant is rare. At this time, the clinical significance of this variant is uncertain due to the absence of conclusive functional and genetic evidence.

NM_001363540.2(DOCK4):c.5398C>T (p.Pro1800Ser)

Gene: DOCK4 (dedicator of cytokinesis 4; minus strand). Cytogenetic location: 7q31.1.
Variant type: single nucleotide variant.
Coding change: c.5398C>T on transcript NM_001363540.2 (MANE Select); coding-DNA position 5398, C replaced by T.
Protein change: p.Pro1800Ser; replaces proline 1800 with serine.
Molecular consequence: missense variant.
Genome position (GRCh38, 1-based): chr7:111,735,075, G>A on the plus strand (C>T on the coding strand, the complement: DOCK4 is on the minus strand). VCF-style: chr7-111735075-G-A. GRCh37 (hg19) VCF-style: chr7-111375131-G-A.
Other names: c.5371C>T, p.Pro1791Ser (NM_014705.4); short protein forms P1791S, P1800S.
Identifiers: ClinVar variation 3347204 (VCV003347204.1).